The following is an entry in ClinVar:

ClinVar aggregate classification (germline): Pathogenic (1 of 4 stars; one submission).

Submission:

Labcorp Genetics (formerly Invitae), Labcorp
Classification: Pathogenic. Last evaluated: 2021-10-19. Review status: criteria provided, single submitter. Criteria: Invitae Variant Classification Sherloc (09022015). Collection method: clinical testing. Allele origin: germline.
Comment: For these reasons, this variant has been classified as Pathogenic. This variant has not been reported in the literature in individuals with TRMU-related conditions. This variant is not present in population databases (ExAC no frequency). This sequence change creates a premature translational stop signal (p.Leu164Serfs*22) in the TRMU gene. It is expected to result in an absent or disrupted protein product. Loss-of-function variants in TRMU are known to be pathogenic (PMID: 19732863, 23625533).

Literature cited by the submitters: PubMed 19732863; PubMed 23625533.

NM_018006.5(TRMU):c.490del (p.Leu164fs)

Gene: TRMU (tRNA mitochondrial 2-thiouridylase; plus strand). Cytogenetic location: 22q13.31.
Variant type: Deletion.
Coding change: c.490del on transcript NM_018006.5 (MANE Select); coding-DNA position 490, one base deleted (C; older notation c.490delC).
Protein change: p.Leu164fs; shifts the reading frame from leucine 164.
Molecular consequence: frameshift variant. On other transcripts: intron variant (2).
Genome position (GRCh38, 1-based): chr22:46,350,302, C deleted; the last of 2 consecutive C bases (chr22:46,350,301-46,350,302); deleting either gives the same sequence. VCF-style (leftmost placement, unchanged base first): chr22-46350300-TC-T. GRCh37 (hg19) VCF-style: chr22-46746197-TC-T.
Other names: c.148del, p.Leu50fs (NM_001282782.2); c.490del, p.Leu164fs (NM_001282785.2); c.118-48del (NM_001282783.2, NM_001282784.2); short protein forms L164fs, L50fs.
Identifiers: ClinVar variation 640226 (VCV000640226.8), dbSNP rs1601968978, ClinGen allele CA915952324.